The following is an entry in ClinVar:

NM_021951.3(DMRT1):c.146dup (p.Ser50fs)

Gene: DMRT1 (doublesex and mab-3 related transcription factor 1; plus strand). Cytogenetic location: 9p24.3.
Variant type: Duplication.
Coding change: c.146dup on transcript NM_021951.3 (MANE Select); coding-DNA position 146, one base duplicated (G; older notation c.146dupG).
Protein change: p.Ser50fs; shifts the reading frame from serine 50.
Molecular consequence: frameshift variant.
Genome position (GRCh38, 1-based): chr9:841,984, G duplicated; the last of 5 consecutive G bases (chr9:841,980-841,984); duplicating any one gives the same sequence. VCF-style (leftmost placement, unchanged base first): chr9-841979-C-CG. GRCh37 (hg19) VCF-style: chr9-841979-C-CG.
Other names: short protein forms S50fs.
Identifiers: ClinVar variation 3376122 (VCV003376122.1).
Genomic context (GRCh38, chr9:841,979, plus strand): 5'-AGCCGGGGGCTTTGGCAAAGCGTCTGGGGCGCTAGTGGGGGCGGCCAGCGGCTCGAGCGC[C>CG]GGGGGCAGCAGCAGAGGAGGCGGCTCCGGCTCCGGGGCGTCGGACCTGGGTGCCGGGAGC-3'

ClinVar aggregate classification (germline): Likely pathogenic (1 of 4 stars; one submission).

Conditions:
Male infertility. Identifiers: MedGen C0021364, MeSH D007248, MONDO:0005372, HP:0003251.

Submission:

Institute of Reproductive Genetics, University of Münster
Classification: Likely pathogenic for Male infertility. Last evaluated: 2024-11-06. Review status: criteria provided, single submitter. Criteria: Uk Practice Guidelines For Variant Classification V4 01 2020. Collection method: research. Allele origin: maternal. Observed: 1 variant allele.
Comment: PVS1_strong, PM2_moderate